The following is an entry in ClinVar:

ClinVar aggregate classification (germline): Conflicting classifications of pathogenicity. Review status: criteria provided, conflicting classifications (1 of 4 stars). 3 submissions from 3 submitters: Uncertain significance (2); Likely benign (1). Last evaluated 2025-08-22.

Conditions:
Inborn genetic diseases. Identifiers: MedGen C0950123, MeSH D030342.
Immunodeficiency, common variable, 2 (CVID2). Also called: HYPOGAMMAGLOBULINEMIA DUE TO TACI DEFICIENCY; ANTIBODY DEFICIENCY DUE TO TACI DEFECT. Identifiers: Orphanet 1572, MedGen C3150354, MONDO:0009413, OMIM 240500.

Allele frequency attached by ClinVar (database versions not stated): gnomAD exomes 0.00002 and 0.00003; ExAC 0.00003; TOPMed 0.00005.
gnomAD v4.1: 29 of 1,613,984 alleles (0.0018%); highest among the groups gnomAD compares: Admixed American, 0.01%; no homozygotes.

Submissions (3):

Ambry Genetics
Classification: Uncertain significance for Inborn genetic diseases. Last evaluated: 2025-08-22. Review status: criteria provided, single submitter. Criteria: Ambry Variant Classification Scheme 2023. Collection method: clinical testing. Allele origin: germline.

Labcorp Genetics (formerly Invitae), Labcorp
Classification: Uncertain significance for Immunodeficiency, common variable, 2. Last evaluated: 2021-12-13. Review status: criteria provided, single submitter. Criteria: Invitae Variant Classification Sherloc (09022015). Collection method: clinical testing. Allele origin: germline.
Comment: This sequence change replaces arginine, which is basic and polar, with glutamine, which is neutral and polar, at codon 9 of the TNFRSF13B protein (p.Arg9Gln). This variant is present in population databases (rs772399974, gnomAD 0.02%). This variant has not been reported in the literature in individuals affected with TNFRSF13B-related conditions. ClinVar contains an entry for this variant (Variation ID: 1005872). Algorithms developed to predict the effect of missense changes on protein structure and function output the following: SIFT: "Tolerated"; PolyPhen-2: "Not Available"; Align-GVGD: "Class C0". The glutamine amino acid residue is found in multiple mammalian species, which suggests that this missense change does not adversely affect protein function. In summary, the available evidence is currently insufficient to determine the role of this variant in disease. Therefore, it has been classified as a Variant of Uncertain Significance.

Blueprint Genetics
Classification: Likely benign. Last evaluated: 2021-03-18. Review status: criteria provided, single submitter. Criteria: ACMG Guidelines, 2015. Collection method: clinical testing. Allele origin: germline.

NM_012452.3(TNFRSF13B):c.26G>A (p.Arg9Gln)

Gene: TNFRSF13B (TNF receptor superfamily member 13B; minus strand). Cytogenetic location: 17p11.2.
Variant type: single nucleotide variant.
Coding change: c.26G>A on transcript NM_012452.3 (MANE Select); coding-DNA position 26, G replaced by A.
Protein change: p.Arg9Gln; replaces arginine 9 with glutamine.
Molecular consequence: missense variant.
Genome position (GRCh38, 1-based): chr17:16,972,050, C>T on the plus strand (G>A on the coding strand, the complement: TNFRSF13B is on the minus strand). VCF-style: chr17-16972050-C-T. GRCh37 (hg19) VCF-style: chr17-16875364-C-T.
Other names: c.26G>A (NM_012452.2); short protein forms R9Q.
Identifiers: ClinVar variation 1005872 (VCV001005872.6), dbSNP rs772399974, ClinGen allele CA8414167.